The following is an entry in ClinVar:

ClinVar aggregate classification (germline): Likely benign. Review status: criteria provided, multiple submitters, no conflicts (2 of 4 stars). 3 submissions from 3 submitters: Likely benign (3). Last evaluated 2024-02-23.

Conditions:
Pyridoxine-dependent epilepsy (EPEO4). Also called: Pyridoxine-Dependent Seizures; PYRIDOXINE DEPENDENCY WITH SEIZURES; EPILEPSY, EARLY-ONSET, 4, VITAMIN B6-DEPENDENT; Pyridoxine-Dependent Epilepsy - ALDH7A1. Identifiers: Orphanet 3006, MedGen C1849508, MONDO:0009945, OMIM 266100. Disease mechanism: loss of function.

Allele frequency attached by ClinVar (database versions not stated): gnomAD 0.00003; gnomAD exomes 0.00001; TOPMed 0.00001.

Submissions (3):

Labcorp Genetics (formerly Invitae), Labcorp
Classification: Likely benign for Pyridoxine-dependent epilepsy. Last evaluated: 2024-02-23. Review status: criteria provided, single submitter. Criteria: Invitae Variant Classification Sherloc (09022015). Collection method: clinical testing. Allele origin: germline.

Genome-Nilou Lab
Classification: Likely benign for Pyridoxine-dependent epilepsy. Last evaluated: 2023-04-11. Review status: criteria provided, single submitter. Criteria: ACMG Guidelines, 2015. Collection method: clinical testing. Allele origin: germline. Affected: no.

GeneDx
Classification: Likely benign. Last evaluated: 2017-03-14. Review status: criteria provided, single submitter. Criteria: GeneDx Variant Classification (06012015). Collection method: clinical testing. Allele origin: germline. Affected: yes.
Comment: This variant is considered likely benign or benign based on one or more of the following criteria: it is a conservative change, it occurs at a poorly conserved position in the protein, it is predicted to be benign by multiple in silico algorithms, and/or has population frequency not consistent with disease.

NM_001182.5(ALDH7A1):c.1318-16A>G

Gene: ALDH7A1 (aldehyde dehydrogenase 7 family member A1; minus strand). Cytogenetic location: 5q23.2.
Variant type: single nucleotide variant.
Coding change: c.1318-16A>G on transcript NM_001182.5 (MANE Select); 16 bases into the intron before coding-DNA position 1318, A replaced by G.
Molecular consequence: intron variant.
Genome position (GRCh38, 1-based): chr5:126,550,309, T>C on the plus strand (A>G on the coding strand, the complement: ALDH7A1 is on the minus strand). VCF-style: chr5-126550309-T-C. GRCh37 (hg19) VCF-style: chr5-125886001-T-C.
Other names: c.1126-16A>G (NM_001202404.2); c.1234-16A>G (NM_001201377.2).
Identifiers: ClinVar variation 508077 (VCV000508077.9), dbSNP rs879606419, ClinGen allele CA126885696.